The following is an entry in ClinVar:

ClinVar aggregate classification (germline): Likely pathogenic (1 of 4 stars; one submission).

Conditions:
Breast-ovarian cancer, familial, susceptibility to, 4. Identifiers: Orphanet 145, MedGen C3280345, MONDO:0013669, OMIM 614291.

Submission:

Myriad Genetics, Inc.
Classification: Likely pathogenic for Breast-ovarian cancer, familial, susceptibility to, 4. Last evaluated: 2024-12-31. Review status: criteria provided, single submitter. Criteria: Myriad Autosomal Dominant, Autosomal Recessive and X-Linked Classification Criteria (2023). Collection method: clinical testing. Allele origin: unknown.
Comment: This variant is considered likely pathogenic. This variant occurs within a consensus splice junction and is predicted to result in abnormal mRNA splicing of either an out-of-frame exon or an in-frame exon necessary for protein stability and/or normal function.

NM_002878.4(RAD51D):c.346-2delinsCG

Genes: RAD51D (RAD51 paralog D; minus strand), RAD51L3-RFFL (RAD51L3-RFFL readthrough; minus strand). Cytogenetic location: 17q12.
Variant type: Indel.
Coding change: c.346-2delinsCG on transcript NM_002878.4 (MANE Select); the canonical splice acceptor site of the intron before coding-DNA position 346, A replaced by CG.
Molecular consequence: splice acceptor variant. On other transcripts: intron variant (1).
Genome position (GRCh38, 1-based): chr17:35,107,124, T replaced by CG on the plus strand (A replaced by CG on the coding strand, the reverse complement: RAD51D is on the minus strand). VCF-style: chr17-35107124-T-CG. GRCh37 (hg19) VCF-style: chr17-33434143-T-CG.
Other names: c.145-643delinsCG (NM_133629.3); c.406-2delinsCG (NM_001142571.2).
Identifiers: ClinVar variation 3904694 (VCV003904694.1).